The following is an entry in ClinVar:

ClinVar aggregate classification (germline): Uncertain significance. Review status: criteria provided, multiple submitters, no conflicts (2 of 4 stars). 2 submissions from 2 submitters: Uncertain significance (2). Last evaluated 2025-05-19.

Conditions:
Hereditary cancer-predisposing syndrome. Also called: Neoplastic Syndromes, Hereditary; Hereditary Cancer Syndrome; Tumor predisposition; Hereditary neoplastic syndrome. Identifiers: Orphanet 140162, MedGen C0027672, MeSH D009386, MONDO:0015356.
Oligodontia-cancer predisposition syndrome. Also called: TOOTH AGENESIS-COLORECTAL CANCER SYNDROME. Identifiers: Orphanet 300576, MedGen C1837750, MONDO:0012075, OMIM 608615. Disease mechanism: loss of function.

Submissions (2):

Ambry Genetics
Classification: Uncertain significance for Hereditary cancer-predisposing syndrome. Last evaluated: 2025-05-19. Review status: criteria provided, single submitter. Criteria: Ambry Variant Classification Scheme 2023. Collection method: clinical testing. Allele origin: germline.
Comment: The p.N298I variant (also known as c.893A>T), located in coding exon 2 of the AXIN2 gene, results from an A to T substitution at nucleotide position 893. The asparagine at codon 298 is replaced by isoleucine, an amino acid with dissimilar properties. This amino acid position is conserved. In addition, this alteration is predicted to be deleterious by in silico analysis. Based on the available evidence, the clinical significance of this variant remains unclear.

Labcorp Genetics (formerly Invitae), Labcorp
Classification: Uncertain significance for Oligodontia-cancer predisposition syndrome. Last evaluated: 2020-06-28. Review status: criteria provided, single submitter. Criteria: Invitae Variant Classification Sherloc (09022015). Collection method: clinical testing. Allele origin: germline.
Comment: This sequence change replaces asparagine with isoleucine at codon 298 of the AXIN2 protein (p.Asn298Ile). The asparagine residue is highly conserved and there is a large physicochemical difference between asparagine and isoleucine. This variant is not present in population databases (ExAC no frequency). This variant has not been reported in the literature in individuals with AXIN2-related conditions. Algorithms developed to predict the effect of missense changes on protein structure and function (SIFT, PolyPhen-2, Align-GVGD) all suggest that this variant is likely to be disruptive, but these predictions have not been confirmed by published functional studies and their clinical significance is uncertain. In summary, the available evidence is currently insufficient to determine the role of this variant in disease. Therefore, it has been classified as a Variant of Uncertain Significance.

NM_004655.4(AXIN2):c.893A>T (p.Asn298Ile)

Gene: AXIN2 (axin 2; minus strand). Cytogenetic location: 17q24.1.
Variant type: single nucleotide variant.
Coding change: c.893A>T on transcript NM_004655.4 (MANE Select); coding-DNA position 893, A replaced by T.
Protein change: p.Asn298Ile; replaces asparagine 298 with isoleucine.
Molecular consequence: missense variant.
Genome position (GRCh38, 1-based): chr17:65,549,583, T>A on the plus strand (A>T on the coding strand, the complement: AXIN2 is on the minus strand). VCF-style: chr17-65549583-T-A. GRCh37 (hg19) VCF-style: chr17-63545701-T-A.
Other names: c.893A>T (NM_004655.3); c.893A>T, p.Asn298Ile (NM_001363813.1); short protein forms N298I.
Identifiers: ClinVar variation 1039284 (VCV001039284.9), dbSNP rs139274803, ClinGen allele CA400679554.